The following is an entry in ClinVar:

ClinVar aggregate classification (germline): Uncertain significance (1 of 4 stars; one submission).

Conditions:
Dyskeratosis congenita. Identifiers: Orphanet 1775, MedGen C0265965, MONDO:0015780.

Submission:

Ambry Genetics
Classification: Uncertain significance for Dyskeratosis congenita. Last evaluated: 2025-11-01. Review status: criteria provided, single submitter. Criteria: Ambry Variant Classification Scheme 2023. Collection method: clinical testing. Allele origin: germline.
Comment: The p.G424D variant (also known as c.1271G>A), located in coding exon 2 of the TERT gene, results from a G to A substitution at nucleotide position 1271. The glycine at codon 424 is replaced by aspartic acid, an amino acid with similar properties. This amino acid position is conserved. In addition, the in silico prediction for this alteration is inconclusive. Based on the available evidence, the clinical significance of this variant remains unclear.

NM_198253.3(TERT):c.1271G>A (p.Gly424Asp)

Gene: TERT (telomerase reverse transcriptase; minus strand). Cytogenetic location: 5p15.33.
Variant type: single nucleotide variant.
Coding change: c.1271G>A on transcript NM_198253.3 (MANE Select); coding-DNA position 1271, G replaced by A.
Protein change: p.Gly424Asp; replaces glycine 424 with aspartic acid.
Molecular consequence: missense variant. On other transcripts: non-coding transcript variant (2).
Genome position (GRCh38, 1-based): chr5:1,293,615, C>T on the plus strand (G>A on the coding strand, the complement: TERT is on the minus strand). VCF-style: chr5-1293615-C-T. GRCh37 (hg19) VCF-style: chr5-1293730-C-T.
Other names: c.1271G>A, p.Gly424Asp (NM_001193376.3); short protein forms G424D.
Identifiers: ClinVar variation 4561758 (VCV004561758.1).
Genomic context (GRCh38, chr5:1,293,615, plus strand): 5'-TCTGTGTCCTCCTCCTCGGGGGCCGCCACAGAGCCCTGGGGCTTCTCCCGGGCACAGACA[C>T]CGGCTGCTGGGGTGACCGCAGCTCGCAGCGGGCAGTGCGTCTTGAGGAGCACCCCGTAGG-3'
Protein context (NP_937983.2, residues 414-434): PLRAAVTPAA[Gly424Asp]VCAREKPQGS